The following is an entry in ClinVar:

ClinVar aggregate classification (germline): Benign/Likely benign. Review status: criteria provided, multiple submitters, no conflicts (2 of 4 stars). 21 submissions from 20 submitters: Benign (9); Likely benign (8). 4 of the submissions do not count toward it. Last evaluated 2026-01-27.

Conditions:
hyprtrophic cardiomyopathy.
Left ventricular noncompaction 10 (LVNC10). Identifiers: Orphanet 154, Orphanet 54260, MedGen C3715165, MONDO:0014163, OMIM 615396.
Cardiovascular phenotype. Identifiers: MedGen CN230736.
Cardiomyopathy (CMYO). Also called: Cardiomyopathies. Identifiers: Orphanet 167848, MedGen C0878544, MONDO:0004994, HP:0001638. Inheritance: Various modes of inheritance.
Primary familial hypertrophic cardiomyopathy (HCM). Identifiers: Orphanet 99739, MedGen C0949658, MeSH D024741, MONDO:0024573. Inheritance: Various modes of inheritance.
Hypertrophic cardiomyopathy 4. Also called: Familial hypertrophic cardiomyopathy 4. Identifiers: MedGen C1861862, MONDO:0007268, OMIM 115197.
Hypertrophic cardiomyopathy. Also called: HYPERTROPHIC MYOCARDIOPATHY. Identifiers: Orphanet 217569, MedGen C0007194, MeSH D002312, MONDO:0005045, HP:0001639.

Allele frequency attached by ClinVar (database versions not stated): gnomAD exomes 0.00036 and 0.00084; ExAC 0.00095; 1000 Genomes Project 0.00300; 1000 Genomes Project 30x 0.00312; ESP Exome Variant Server 0.00343; gnomAD 0.00379 and 0.00405; TOPMed 0.00463.
gnomAD v4.1: 1,110 of 1,608,286 alleles (0.069%); highest among the groups gnomAD compares: African/African-American, 1.3%; 8 homozygotes.

Submissions (21):

Labcorp Genetics (formerly Invitae), Labcorp
Classification: Benign for Hypertrophic cardiomyopathy. Last evaluated: 2026-01-27. Review status: criteria provided, single submitter. Criteria: Invitae Variant Classification Sherloc (09022015). Collection method: clinical testing. Allele origin: germline.

CeGaT Center for Human Genetics Tuebingen
Classification: Likely benign. Last evaluated: 2026-01-01. Review status: criteria provided, single submitter. Criteria: CeGaT Center For Human Genetics Tuebingen Variant Classification Criteria Version 2. Collection method: clinical testing. Allele origin: germline. Affected: yes. Observed: 1 variant allele.
Comment: MYBPC3: BP4, BS1

ARUP Laboratories, Molecular Genetics and Genomics, ARUP Laboratories
Classification: Benign. Last evaluated: 2025-05-14. Review status: criteria provided, single submitter. Criteria: ARUP Molecular Germline Variant Investigation Process 2024. Collection method: clinical testing. Allele origin: germline.

Blueprint Genetics
Classification: Likely benign. Last evaluated: 2024-10-22. Review status: criteria provided, single submitter. Criteria: ACMG Guidelines, 2015. Collection method: clinical testing. Allele origin: germline.

Mendelics
Classification: Benign for Hypertrophic cardiomyopathy 4. Last evaluated: 2019-05-28. Review status: criteria provided, single submitter. Criteria: Mendelics Assertion Criteria 2017. Collection method: clinical testing. Allele origin: unknown.

Color Diagnostics, LLC DBA Color Health
Classification: Benign for Cardiomyopathy. Last evaluated: 2018-07-03. Review status: criteria provided, single submitter. Criteria: ACMG Guidelines, 2015. Collection method: clinical testing. Allele origin: germline.

Illumina Laboratory Services, Illumina
Classification: Likely benign for Hypertrophic cardiomyopathy 4. Last evaluated: 2018-03-23. Review status: criteria provided, single submitter. Criteria: ICSL Variant Classification Criteria 13 December 2019. Collection method: clinical testing. Allele origin: germline.
Comment: This variant was observed as part of a predisposition screen in an ostensibly healthy population. A literature search was performed for the gene, cDNA change, and amino acid change (where applicable). Publications were found based on this search. The evidence from the literature, in combination with allele frequency data from public databases where available, was sufficient to determine this variant is unlikely to cause disease. Therefore, this variant is classified as likely benign.

Illumina Laboratory Services, Illumina
Classification: Likely benign for Left ventricular noncompaction 10. Last evaluated: 2018-03-23. Review status: criteria provided, single submitter. Criteria: ICSL Variant Classification Criteria 13 December 2019. Collection method: clinical testing. Allele origin: germline.
Comment: This variant was observed as part of a predisposition screen in an ostensibly healthy population. A literature search was performed for the gene, cDNA change, and amino acid change (where applicable). No publications were found based on this search. Allele frequency data from public databases allowed determination this variant is unlikely to cause disease. Therefore, this variant is classified as likely benign.

GeneDx
Classification: Benign. Last evaluated: 2017-04-24. Review status: criteria provided, single submitter. Criteria: GeneDx Variant Classification (06012015). Collection method: clinical testing. Allele origin: germline. Affected: yes.
Comment: This variant is considered likely benign or benign based on one or more of the following criteria: it is a conservative change, it occurs at a poorly conserved position in the protein, it is predicted to be benign by multiple in silico algorithms, and/or has population frequency not consistent with disease.

Molecular Diagnostic Laboratory for Inherited Cardiovascular Disease, Montreal Heart Institute
Classification: Likely benign. Last evaluated: 2016-12-07. Review status: criteria provided, single submitter. Criteria: ACMG Guidelines, 2015. Collection method: clinical testing. Allele origin: germline. Affected: yes.

Genome Diagnostics Laboratory, University Medical Center Utrecht
Classification: Likely benign for Hypertrophic cardiomyopathy 4. Last evaluated: 2016-08-26. Review status: criteria provided, single submitter. Criteria: ACGS Guidelines, 2013. Collection method: clinical testing. Allele origin: germline. Affected: yes. Study: VKGL Data-share Consensus.

Mayo Clinic Laboratories, Mayo Clinic
Classification: Benign. Last evaluated: 2016-04-15. Review status: criteria provided, single submitter. Criteria: ACMG Guidelines, 2015. Collection method: clinical testing. Allele origin: germline. Observed: 12 variant alleles.

Center for Pediatric Genomic Medicine, Children's Mercy Hospital and Clinics
Classification: Likely benign. Last evaluated: 2016-04-08. Review status: criteria provided, single submitter. Criteria: ACMG Guidelines, 2015. Collection method: clinical testing. Allele origin: germline.
ClinVar note: Converted during submission from Likely Benign to Likely benign.

Ambry Genetics
Classification: Benign for Cardiovascular phenotype. Last evaluated: 2015-10-01. Review status: criteria provided, single submitter. Criteria: Ambry Variant Classification Scheme 2023. Collection method: clinical testing. Allele origin: germline.

Laboratory for Molecular Medicine, Mass General Brigham Personalized Medicine
Classification: Benign. Last evaluated: 2014-12-03. Review status: criteria provided, single submitter. Criteria: LMM Criteria. Collection method: clinical testing. Allele origin: germline. Observed: 25 variant alleles.
Comment: p.Arg177His in exon 5 of MYBPC3: This variant is not expected to have clinical s ignificance because it has been identified in 1.0% (42/4130) of African American chromosomes by the NHLBI Exome Sequencing Project (/EVS; dbSNP rs201012766).

Biesecker Lab/Clinical Genomics Section, National Institutes of Health
Classification: Benign. Last evaluated: 2013-06-24. Review status: criteria provided, single submitter. Criteria: Ng et al. (Circ Cardiovasc Genet. 2013). Collection method: research. Allele origin: unknown. Observed: 1 variant allele. Study: ClinSeq.
Comment: The study set was not selected for affection status in relation to any cancer. Pathogenicity categories were based on literature curation. See Pubmed ID:23861362 for details.

Medical sequencing

Breakthrough Genomics
Classification: Likely benign. Review status: criteria provided, single submitter. Criteria: ACMG Guidelines, 2015. Collection method: not provided. Allele origin: germline. Inheritance: Autosomal dominant inheritance. Affected: yes.

CSER _CC_NCGL, University of Washington
Classification: Likely benign for Cardiomyopathy, hypertrophic. Last evaluated: 2014-06-01. Review status: no assertion criteria provided. Collection method: research. Allele origin: germline. Inheritance: Autosomal dominant inheritance. Study: ESP 6500 variant annotation. Not counted in ClinVar's aggregate classification.
Comment: Variants classified for the Actionable exomic incidental findings in 6503 participants: challenges of variant classification manuscript

Clinical Genetics, Academic Medical Center
Classification: Benign. Review status: no assertion criteria provided. Collection method: clinical testing. Allele origin: germline. Affected: yes. Study: VKGL Data-share Consensus. Not counted in ClinVar's aggregate classification.

Joint Genome Diagnostic Labs from Nijmegen and Maastricht, Radboudumc and MUMC+
Classification: Benign. Review status: no assertion criteria provided. Collection method: clinical testing. Allele origin: germline. Affected: yes. Study: VKGL Data-share Consensus. Not counted in ClinVar's aggregate classification.

Zaffran Lab, Genetics of Cardiac Diseases Laboratory, Marseille Medical Genetics
Classification: Benign for hyprtrophic cardiomyopathy. Review status: no assertion criteria provided. Collection method: research. Allele origin: unknown. Affected: yes. Not counted in ClinVar's aggregate classification.

Literature cited by the submitters: PubMed 23054336 (cited by Illumina Laboratory Services, Illumina); PubMed 23527136 (cited by Illumina Laboratory Services, Illumina); PubMed 23233322 (cited by Illumina Laboratory Services, Illumina).

NM_000256.3(MYBPC3):c.530G>A (p.Arg177His)

Gene: MYBPC3 (myosin binding protein C3; minus strand). Cytogenetic location: 11p11.2.
Variant type: single nucleotide variant.
Coding change: c.530G>A on transcript NM_000256.3 (MANE Select); coding-DNA position 530, G replaced by A.
Protein change: p.Arg177His; replaces arginine 177 with histidine.
Molecular consequence: missense variant.
Genome position (GRCh38, 1-based): chr11:47,349,898, C>T on the plus strand (G>A on the coding strand, the complement: MYBPC3 is on the minus strand). VCF-style: chr11-47349898-C-T. GRCh37 (hg19) VCF-style: chr11-47371449-C-T.
Other names: p.R177H:CGC>CAC; short protein forms R177H.
Identifiers: ClinVar variation 42767 (VCV000042767.49), dbSNP rs201012766, ClinGen allele CA015406.
Genomic context (GRCh38, chr11:47,349,898, plus strand): 5'-ACCCATTTGCCCTTGAACCACTTGACCACAGGCGGCTTCAGGAGGCTGGCGCCGGCCACG[C>T]GGGCTGAGAAGGTGATGCTGCCACCTGCAAAGGCAGGGGCGACAGGCCCGGCTTGGGGAG-3'
Protein context (NP_000247.2, residues 167-187): TVGGSITFSA[Arg177His]VAGASLLKPP